The following is an entry in ClinVar:

NM_000901.5(NR3C2):c.*1508A>G

Gene: NR3C2 (nuclear receptor subfamily 3 group C member 2; minus strand). Cytogenetic location: 4q31.23.
Variant type: single nucleotide variant.
Coding change: c.*1508A>G on transcript NM_000901.5 (MANE Select); 1508 bases downstream of the stop codon, A replaced by G.
Molecular consequence: 3 prime UTR variant. On other transcripts: non-coding transcript variant (1).
Genome position (GRCh38, 1-based): chr4:148,079,836, T>C on the plus strand (A>G on the coding strand, the complement: NR3C2 is on the minus strand). VCF-style: chr4-148079836-T-C. GRCh37 (hg19) VCF-style: chr4-149000987-T-C.
Other names: c.*1508A>G (NM_001166104.2, NM_001354819.1).
Identifiers: ClinVar variation 347689 (VCV000347689.5), dbSNP rs5535, ClinGen allele CA10620163.

ClinVar aggregate classification (germline): Benign (1 of 4 stars; one submission).

Conditions:
Autosomal dominant pseudohypoaldosteronism type 1. Also called: Pseudohypoaldosteronism, Type I, Autosomal Dominant; PHA I, AUTOSOMAL DOMINANT; Pseudohypoaldosteronism, Type I, Dominant. Identifiers: Orphanet 171871, Orphanet 756, MedGen C1449842, MONDO:0008329, OMIM 177735.

Allele frequency attached by ClinVar (database versions not stated): 1000 Genomes Project 0.00539; 1000 Genomes Project 30x 0.00547; gnomAD 0.00589 and 0.00623; TOPMed 0.00634.

Submission:

Illumina Laboratory Services, Illumina
Classification: Benign for Autosomal dominant pseudohypoaldosteronism type 1. Last evaluated: 2018-01-13. Review status: criteria provided, single submitter. Criteria: ICSL Variant Classification Criteria 13 December 2019. Collection method: clinical testing. Allele origin: germline.
Comment: This variant was observed in the ICSL laboratory as part of a predisposition screen in an ostensibly healthy population. It had not been previously curated by ICSL or reported in the Human Gene Mutation Database (HGMD: prior to June 1st, 2018), and was therefore a candidate for classification through an automated scoring system. Utilizing variant allele frequency, disease prevalence and penetrance estimates, and inheritance mode, an automated score was calculated to assess if this variant is too frequent to cause the disease. Based on the score and internal cut-off values, a variant classified as benign is not then subjected to further curation. The score for this variant resulted in a classification of benign for this disease.